The following is an entry in ClinVar:

NM_000466.3(PEX1):c.3823C>T (p.Arg1275Ter)

Genes: GATAD1 (GATA zinc finger domain containing 1; plus strand), PEX1 (peroxisomal biogenesis factor 1; minus strand). Cytogenetic location: 7q21.2.
Variant type: single nucleotide variant.
Coding change: c.3823C>T on transcript NM_000466.3 (MANE Select); coding-DNA position 3823, C replaced by T.
Protein change: p.Arg1275Ter; replaces arginine 1275 with a stop codon.
Molecular consequence: nonsense.
Genome position (GRCh38, 1-based): chr7:92,487,486, G>A on the plus strand (C>T on the coding strand, the complement: PEX1 is on the minus strand). VCF-style: chr7-92487486-G-A. GRCh37 (hg19) VCF-style: chr7-92116800-G-A.
Other names: c.3652C>T, p.Arg1218Ter (NM_001282677.2); c.3199C>T, p.Arg1067Ter (NM_001282678.2); short protein forms R1275*, R1067*, R1218*.
Identifiers: ClinVar variation 555569 (VCV000555569.11), dbSNP rs755549316, ClinGen allele CA4340718.

ClinVar aggregate classification (germline): Uncertain significance. Review status: criteria provided, multiple submitters, no conflicts (2 of 4 stars). 4 submissions from 4 submitters: Uncertain significance (2). 2 of the submissions do not count toward it. Last evaluated 2022-08-15.

Conditions:
Zellweger spectrum disorders (ZS). Also called: Zellweger Spectrum Disorder (ZSD); Zellweger Spectrum Disorder; Zellweger Spectrum; Zellweger syndrome. Identifiers: Orphanet 912, MedGen C0043459, MONDO:0019609.
Peroxisome biogenesis disorder 1A (Zellweger) (PBD1A). Also called: Peroxisome biogenesis disorder 1a; Zellweger leukodystrophy. Identifiers: MedGen C4721541, MONDO:0008953, OMIM 214100.

Allele frequency attached by ClinVar (database versions not stated): TOPMed below 0.00001; ExAC 0.00001; gnomAD 0.00001; gnomAD exomes 0.00001.
gnomAD v4.1: 8 of 1,594,348 alleles (0.0005%); highest among the groups gnomAD compares: Admixed American, 0.0017%; no homozygotes.

Submissions (4):

Labcorp Genetics (formerly Invitae), Labcorp
Classification: Uncertain significance for Zellweger spectrum disorders. Last evaluated: 2022-08-15. Review status: criteria provided, single submitter. Criteria: Invitae Variant Classification Sherloc (09022015). Collection method: clinical testing. Allele origin: germline.
Comment: This sequence change creates a premature translational stop signal (p.Arg1275*) in the PEX1 gene. While this is not anticipated to result in nonsense mediated decay, it is expected to disrupt the last 9 amino acid(s) of the PEX1 protein. The frequency data for this variant in the population databases is considered unreliable, as metrics indicate poor data quality at this position in the gnomAD database. This variant has not been reported in the literature in individuals affected with PEX1-related conditions. ClinVar contains an entry for this variant (Variation ID: 555569). Experimental studies and prediction algorithms are not available or were not evaluated, and the functional significance of this variant is currently unknown. In summary, the available evidence is currently insufficient to determine the role of this variant in disease. Therefore, it has been classified as a Variant of Uncertain Significance.

Women's Health and Genetics/Laboratory Corporation of America, LabCorp
Classification: Uncertain significance. Last evaluated: 2021-10-14. Review status: criteria provided, single submitter. Criteria: LabCorp Variant Classification Summary - May 2015. Collection method: clinical testing. Allele origin: germline.
Comment: Variant summary: PEX1 c.3823C>T (p.Arg1275X) results in a premature termination codon in exon 24 (i.e. in the last exon) of the gene that is not expected to cause nonsense mediated decay (NMD), but is predicted to cause a truncation of the encoded protein. The variant is predicted to remove 9 amino-acids from the C-terminal end of the protein, in the gene PEX1 for which loss-of-function is a known mechanism of disease. The variant allele was found at a frequency of 1.2e-05 in 248532 control chromosomes (gnomAD). To our knowledge, no occurrence of c.3823C>T in individuals affected with Zellweger Syndrome (ZS) and no experimental evidence demonstrating its impact on protein function have been reported. A truncating variant (i.e. c.3750G>A (p.Trp1250*)) upstream from this position have been reported in homozygous individuals affected with an attenuated phenotype representing the milder end of the ZS spectrum (PMID 26387595), and functional studies confirmed the hypomorphic effect of this variant (PMID 26387595). Two clinical diagnostic laboratories have submitted clinical-significance assessments for this variant to ClinVar after 2014, and classified the variant as uncertain significance. Based on the evidence outlined above, although the variant is unlikely to cause a severe ZS phenotype, a potential hypomorphic effect resulting from a partially functional protein cannot be excluded, therefore the variant was classified as uncertain significance.

Counsyl
Classification: Uncertain significance for Peroxisome biogenesis disorder 1A (Zellweger). Last evaluated: 2017-12-12. Review status: no assertion criteria provided. Collection method: clinical testing. Allele origin: unknown. Not counted in ClinVar's aggregate classification.

Natera, Inc.
Classification: Uncertain significance for Zellweger syndrome. Last evaluated: 2017-09-17. Review status: no assertion criteria provided. Collection method: clinical testing. Allele origin: germline. Not counted in ClinVar's aggregate classification.